The following is an entry in ClinVar:

ClinVar aggregate classification (germline): Pathogenic (1 of 4 stars; one submission).

Submission:

Labcorp Genetics (formerly Invitae), Labcorp
Classification: Pathogenic. Last evaluated: 2022-11-08. Review status: criteria provided, single submitter. Criteria: Invitae Variant Classification Sherloc (09022015). Collection method: clinical testing. Allele origin: germline.
Comment: This sequence change creates a premature translational stop signal (p.Leu252*) in the XPA gene. While this is not anticipated to result in nonsense mediated decay, it is expected to disrupt the last 22 amino acid(s) of the XPA protein. For these reasons, this variant has been classified as Pathogenic. This variant disrupts a region of the XPA protein in which other variant(s) (p.Arg258Tyrfs*5) have been determined to be pathogenic (PMID: 31478152). This suggests that this is a clinically significant region of the protein, and that variants that disrupt it are likely to be disease-causing. This variant has not been reported in the literature in individuals affected with XPA-related conditions. This variant is not present in population databases (gnomAD no frequency).

Literature cited by the submitters: PubMed 31478152.

NM_000380.4(XPA):c.754del (p.Asn251_Leu252insTer)

Gene: XPA (XPA, DNA damage recognition and repair factor; minus strand). Cytogenetic location: 9q22.33.
Variant type: Deletion.
Coding change: c.754del on transcript NM_000380.4 (MANE Select); coding-DNA position 754, one base deleted (C; older notation c.754delC).
Protein change: p.Asn251_Leu252insTer.
Molecular consequence: nonsense. On other transcripts: non-coding transcript variant (5).
Genome position (GRCh38, 1-based): chr9:97,675,507, G deleted on the plus strand (C on the coding strand, the reverse complement: XPA is on the minus strand); the first of 2 consecutive G bases (chr9:97,675,507-97,675,508); deleting either gives the same sequence. VCF-style (leftmost placement, unchanged base first): chr9-97675506-AG-A. GRCh37 (hg19) VCF-style: chr9-100437788-AG-A.
Other names: c.628del, p.Asn209_Leu210insTer (NM_001354975.2).
Identifiers: ClinVar variation 2812711 (VCV002812711.3), dbSNP rs2490184604, ClinGen allele CA2739264867.